The following is an entry in ClinVar:

ClinVar aggregate classification (germline): Uncertain significance (1 of 4 stars; one submission).

Conditions:
Combined oxidative phosphorylation defect type 17. Also called: Combined oxidative phosphorylation deficiency 17. Identifiers: Orphanet 369913, MedGen C3809526, MONDO:0014190, OMIM 615440.

Submission:

Labcorp Genetics (formerly Invitae), Labcorp
Classification: Uncertain significance for Combined oxidative phosphorylation defect type 17. Last evaluated: 2022-03-23. Review status: criteria provided, single submitter. Criteria: Invitae Variant Classification Sherloc (09022015). Collection method: clinical testing. Allele origin: germline.
Comment: In summary, the available evidence is currently insufficient to determine the role of this variant in disease. Therefore, it has been classified as a Variant of Uncertain Significance. Experimental studies and prediction algorithms are not available or were not evaluated, and the functional significance of this variant is currently unknown. This variant, c.2338_2349del, results in the deletion of 4 amino acid(s) of the ELAC2 protein (p.Glu780_Glu783del), but otherwise preserves the integrity of the reading frame. The frequency data for this variant in the population databases is considered unreliable, as metrics indicate poor data quality at this position in the gnomAD database. This variant has not been reported in the literature in individuals affected with ELAC2-related conditions. ClinVar contains an entry for this variant (Variation ID: 474566).

NM_018127.7(ELAC2):c.2338_2349del (p.Glu780_Glu783del)

Gene: ELAC2 (elaC ribonuclease Z 2; minus strand). Cytogenetic location: 17p12.
Variant type: Deletion.
Coding change: c.2338_2349del on transcript NM_018127.7 (MANE Select); coding-DNA positions 2338 to 2349, 12 bases deleted (GAGCGCAGGGAG).
Protein change: p.Glu780_Glu783del.
Molecular consequence: inframe deletion.
Genome position (GRCh38, 1-based): chr17:12,992,950-12,992,961, CTCCCTGCGCTC deleted on the plus strand (GAGCGCAGGGAG on the coding strand, the reverse complement: ELAC2 is on the minus strand); deleting any 12 consecutive bases within chr17:12,992,950-12,992,965 gives the same sequence; the c. name uses the placement nearest the transcript's 3' end. VCF-style (leftmost placement, unchanged base first): chr17-12992949-TCTCCCTGCGCTC-T. GRCh37 (hg19) VCF-style: chr17-12896266-TCTCCCTGCGCTC-T.
Other names: c.2218_2229del, p.Glu740_Glu743del (NM_001165962.2); c.2335_2346del, p.Glu779_Glu782del (NM_173717.2).
Identifiers: ClinVar variation 474566 (VCV000474566.4), dbSNP rs1395507635, ClinGen allele CA625311401.